The following is an entry in ClinVar:

NM_021252.5(RAB18):c.250_251dup (p.Ile85fs)

Gene: RAB18 (RAB18, member RAS oncogene family; plus strand). Cytogenetic location: 10p12.1.
Variant type: Microsatellite.
Coding change: c.250_251dup on transcript NM_021252.5 (MANE Select); coding-DNA positions 250 to 251, 2 bases duplicated (GT; older notation c.250_251dupGT).
Protein change: p.Ile85fs; shifts the reading frame from isoleucine 85.
Molecular consequence: frameshift variant. On other transcripts: non-coding transcript variant (1), intron variant (1).
Genome position (GRCh38, 1-based): chr10:27,532,570-27,532,571, GT duplicated; duplicating any 2 consecutive bases within chr10:27,532,568-27,532,571 gives the same sequence; the c. name uses the placement nearest the transcript's 3' end. VCF-style (leftmost placement, unchanged base first): chr10-27532567-G-GGT. GRCh37 (hg19) VCF-style: chr10-27821496-G-GGT.
Other names: c.337_338dup, p.Ile114fs (NM_001256410.2); c.250_251dup, p.Ile85fs (NM_001256411.2); c.187-1360GT[3] (NM_001256412.2); c.250_251dupGT (NM_021252.5); short protein forms I114fs, I85fs.
Identifiers: ClinVar variation 3768132 (VCV003768132.1).

ClinVar aggregate classification (germline): Uncertain significance (1 of 4 stars; one submission).

Submission:

Women's Health and Genetics/Laboratory Corporation of America, LabCorp
Classification: Uncertain significance. Last evaluated: 2024-12-27. Review status: criteria provided, single submitter. Criteria: LabCorp Variant Classification Summary - May 2015. Collection method: clinical testing. Allele origin: germline.
Comment: Variant summary: RAB18 c.250_251dupGT (p.Ile85LeufsX3) results in a premature termination codon, predicted to cause absence of the protein due to nonsense mediated decay, however current evidence is not sufficient to establish loss of function as a mechanism for disease. The variant was absent in 250824 control chromosomes (gnomAD). The available data on variant occurrences in the general population are insufficient to allow any conclusion about variant significance. To our knowledge, no occurrence of c.250_251dupGT in individuals affected with Warburg Micro Syndrome 3 and no experimental evidence demonstrating its impact on protein function have been reported. No submitters have cited clinical-significance assessments for this variant to ClinVar. Based on the evidence outlined above, the variant was classified as uncertain significance.